The following is an entry in ClinVar:

NM_052859.4(RFT1):c.1510G>C (p.Val504Leu)

Gene: RFT1 (RFT1 glycolipid translocator homolog; minus strand). Cytogenetic location: 3p21.1.
Variant type: single nucleotide variant.
Coding change: c.1510G>C on transcript NM_052859.4 (MANE Select); coding-DNA position 1510, G replaced by C.
Protein change: p.Val504Leu; replaces valine 504 with leucine.
Molecular consequence: missense variant.
Genome position (GRCh38, 1-based): chr3:53,092,019, C>G on the plus strand (G>C on the coding strand, the complement: RFT1 is on the minus strand). VCF-style: chr3-53092019-C-G. GRCh37 (hg19) VCF-style: chr3-53126035-C-G.
Other names: short protein forms V504L.
Identifiers: ClinVar variation 2757473 (VCV002757473.3), dbSNP rs564427695, ClinGen allele CA353226058.

ClinVar aggregate classification (germline): Uncertain significance (1 of 4 stars; one submission).

Conditions:
RFT1-congenital disorder of glycosylation (CDG1N). Also called: RFT1-CDG; CDG In; Congenital disorder of glycosylation type In. Identifiers: Orphanet 244310, MedGen C2677590, MONDO:0012783, OMIM 612015.

gnomAD v4.1: 1 of 1,614,276 alleles (0.000062%); highest among the groups gnomAD compares: Non-Finnish European, 0.000085%; no homozygotes.

Submission:

Labcorp Genetics (formerly Invitae), Labcorp
Classification: Uncertain significance for RFT1-congenital disorder of glycosylation. Last evaluated: 2023-09-03. Review status: criteria provided, single submitter. Criteria: Invitae Variant Classification Sherloc (09022015). Collection method: clinical testing. Allele origin: germline.
Comment: This sequence change replaces valine, which is neutral and non-polar, with leucine, which is neutral and non-polar, at codon 504 of the RFT1 protein (p.Val504Leu). This variant is not present in population databases (gnomAD no frequency). This variant has not been reported in the literature in individuals affected with RFT1-related conditions. Advanced modeling of protein sequence and biophysical properties (such as structural, functional, and spatial information, amino acid conservation, physicochemical variation, residue mobility, and thermodynamic stability) performed at Invitae indicates that this missense variant is not expected to disrupt RFT1 protein function. In summary, the available evidence is currently insufficient to determine the role of this variant in disease. Therefore, it has been classified as a Variant of Uncertain Significance.